The following is an entry in ClinVar:

NM_000321.3(RB1):c.1696-1_1696delinsCT

Gene: RB1 (RB transcriptional corepressor 1; plus strand). Cytogenetic location: 13q14.2.
Variant type: Indel.
Coding change: c.1696-1_1696delinsCT on transcript NM_000321.3 (MANE Select); the canonical splice acceptor site of the intron before coding-DNA position 1696 through coding-DNA position 1696, GG replaced by CT.
Molecular consequence: splice acceptor variant.
Genome position (GRCh38, 1-based): chr13:48,452,992-48,452,993, GG replaced by CT. VCF-style: chr13-48452992-GG-CT. GRCh37 (hg19) VCF-style: chr13-49027128-GG-CT.
Other names: c.1696-1_1696delinsCT (NM_001407165.1).
Identifiers: ClinVar variation 4759397 (VCV004759397.1).
Genomic context (GRCh38, chr13:48,452,992, plus strand): 5'-ATATGTACCTGGGAAAATTATGCTTACTAATGTGGTTTTAATTTCATCATGTTTCATATA[GG>CT]ATTCACCTTTATTTGATCTTATTAAACAATCAAAGGACCGAGAAGGACCAACTGATCACC-3'

ClinVar aggregate classification (germline): Pathogenic (1 of 4 stars; one submission).

Conditions:
Hereditary retinoblastoma. Identifiers: Orphanet 357027, MedGen C0751483, MONDO:0018160.

Submission:

Ramesar Group, Division of Human Genetics, Institute of Infectious Diseases and Molecular Medicine, UCT/MRC Genomic and Precision Medicine Research Unit, University of Cape Town
Classification: Pathogenic for Hereditary retinoblastoma. Last evaluated: 2025-09-17. Review status: criteria provided, single submitter. Criteria: ACMG Guidelines, 2015. Collection method: research. Allele origin: germline. Affected: yes. Observed: 1 variant allele.
Comment: PVS1: Null variant (canonical -1 splice site) in a gene (RB1) where LOF is a known mechanism of disease PM2: Absent from gnomAD and ExAC PP3: SpliceAI informs an acceptor loss and acceptor gain score of 1.00 and 0.52, respectively PP4: Patients presents with bilateral retinoblastoma Not in ClinVar or the LOVD